The following is an entry in ClinVar:

NM_004369.4(COL6A3):c.2476G>A (p.Glu826Lys)

Gene: COL6A3 (collagen type VI alpha 3 chain; minus strand). Cytogenetic location: 2q37.3.
Variant type: single nucleotide variant.
Coding change: c.2476G>A on transcript NM_004369.4 (MANE Select); coding-DNA position 2476, G replaced by A.
Protein change: p.Glu826Lys; replaces glutamic acid 826 with lysine.
Molecular consequence: missense variant. On other transcripts: intron variant (1).
Genome position (GRCh38, 1-based): chr2:237,378,657, C>T on the plus strand (G>A on the coding strand, the complement: COL6A3 is on the minus strand). VCF-style: chr2-237378657-C-T. GRCh37 (hg19) VCF-style: chr2-238287300-C-T.
Other names: c.1255G>A, p.Glu419Lys (NM_057164.5); c.1858G>A, p.Glu620Lys (NM_057165.5, NM_057167.4); c.677-1313G>A (NM_057166.5); short protein forms E419K, E620K, E826K.
Identifiers: ClinVar variation 2440433 (VCV002440433.7), dbSNP rs1193723586, ClinGen allele CA351212185.

ClinVar aggregate classification (germline): Uncertain significance. Review status: criteria provided, multiple submitters, no conflicts (2 of 4 stars). 4 submissions from 4 submitters: Uncertain significance (4). Last evaluated 2026-01-24.

Conditions:
Bethlem myopathy 1A. Also called: MYOPATHY, BENIGN CONGENITAL, WITH CONTRACTURES; Bethlem myopathy 1; Bethlem Muscular Dystrophy. Identifiers: Orphanet 610, MedGen CN029274, MONDO:0024530, OMIM 158810.
Inborn genetic diseases. Identifiers: MedGen C0950123, MeSH D030342.

Allele frequency attached by ClinVar (database versions not stated): gnomAD exomes 0.00001; TOPMed 0.00002.
gnomAD v4.1: 11 of 1,612,820 alleles (0.00068%); highest among the groups gnomAD compares: Non-Finnish European, 0.00093%; no homozygotes.

Submissions (4):

Labcorp Genetics (formerly Invitae), Labcorp
Classification: Uncertain significance for Bethlem myopathy 1A. Last evaluated: 2026-01-24. Review status: criteria provided, single submitter. Criteria: Invitae Variant Classification Sherloc (09022015). Collection method: clinical testing. Allele origin: germline.
Comment: This sequence change replaces glutamic acid, which is acidic and polar, with lysine, which is basic and polar, at codon 826 of the COL6A3 protein (p.Glu826Lys). This variant is present in population databases (no rsID available, gnomAD 0.0009%). This variant has not been reported in the literature in individuals affected with COL6A3-related conditions. ClinVar contains an entry for this variant (Variation ID: 2440433). Invitae Evidence Modeling of protein sequence and biophysical properties (such as structural, functional, and spatial information, amino acid conservation, physicochemical variation, residue mobility, and thermodynamic stability) indicates that this missense variant is not expected to disrupt COL6A3 protein function with a negative predictive value of 95%. In summary, the available evidence is currently insufficient to determine the role of this variant in disease. Therefore, it has been classified as a Variant of Uncertain Significance.

GeneDx
Classification: Uncertain significance. Last evaluated: 2023-05-02. Review status: criteria provided, single submitter. Criteria: GeneDx Variant Classification Process June 2021. Collection method: clinical testing. Allele origin: germline. Affected: yes.
Comment: Not observed at significant frequency in large population cohorts (gnomAD); In silico analysis supports that this missense variant does not alter protein structure/function; Has not been previously published as pathogenic or benign to our knowledge

Ambry Genetics
Classification: Uncertain significance for Inborn genetic diseases. Last evaluated: 2023-02-15. Review status: criteria provided, single submitter. Criteria: Ambry Variant Classification Scheme 2023. Collection method: clinical testing. Allele origin: germline.

Revvity Omics, Revvity
Classification: Uncertain significance. Last evaluated: 2022-03-28. Review status: criteria provided, single submitter. Criteria: ACMG Guidelines, 2015. Collection method: clinical testing. Allele origin: germline.